The following is an entry in ClinVar:

ClinVar aggregate classification (germline): Pathogenic (1 of 4 stars; one submission).

Conditions:
Usher syndrome type 1 (USH1). Also called: RETINITIS PIGMENTOSA AND CONGENITAL DEAFNESS. Identifiers: Orphanet 231169, Orphanet 886, MedGen C1568247, MONDO:0010168, OMIM 276900.

Submission:

Myriad Genetics, Inc.
Classification: Pathogenic for Usher syndrome type 1. Last evaluated: 2026-05-17. Review status: criteria provided, single submitter. Criteria: Myriad Autosomal Dominant, Autosomal Recessive and X-Linked Classification Criteria (2023). Collection method: clinical testing. Allele origin: unknown.
Comment: NM_000260.3(MYO7A):c.2713delG(A905Lfs*9) is expected to be pathogenic in the context of MYO7A-related disorders. This variant is predicted to lead to an abnormal or absent protein product due to the creation of a premature termination codon in MYO7A, a gene where loss-of-function variants are known to be pathogenic. Please note: this variant was assessed in the context of healthy population screening.

NM_000260.4(MYO7A):c.2713del (p.Ala905fs)

Gene: MYO7A (myosin VIIA; plus strand). Cytogenetic location: 11q13.5.
Variant type: Deletion.
Coding change: c.2713del on transcript NM_000260.4 (MANE Select); coding-DNA position 2713, one base deleted (G; older notation c.2713delG).
Protein change: p.Ala905fs; shifts the reading frame from alanine 905.
Molecular consequence: frameshift variant.
Genome position (GRCh38, 1-based): chr11:77,181,398, G deleted; the last of 2 consecutive G bases (chr11:77,181,397-77,181,398); deleting either gives the same sequence. VCF-style (leftmost placement, unchanged base first): chr11-77181396-TG-T. GRCh37 (hg19) VCF-style: chr11-76892442-TG-T.
Other names: c.2713del, p.Ala905fs (NM_001127180.2); c.2680del, p.Ala894fs (NM_001369365.1); short protein forms A894fs, A905fs.
Identifiers: ClinVar variation 5015922 (VCV005015922.1).
Genomic context (GRCh38, chr11:77,181,396, plus strand): 5'-CCGGGGGCTGACCCCGTGTCTTCTGTGTCACCCCAATTGCCCAGGAGCGCCTGGCCCAGC[TG>T]GCTCGTGAGGACGCTGAGCGGGAGCTGAAGGAGAAGGAGGCCGCTCGGCGGAAGAAGGAG-3'